The following is an entry in ClinVar:

NM_001001524.3(TM6SF2):c.444C>T (p.Phe148=)

Gene: TM6SF2 (transmembrane 6 superfamily member 2; minus strand). Cytogenetic location: 19p13.11.
Variant type: single nucleotide variant.
Coding change: c.444C>T on transcript NM_001001524.3 (MANE Select); coding-DNA position 444, C replaced by T.
Protein change: p.Phe148=; no amino-acid change (phenylalanine 148 retained).
Molecular consequence: synonymous variant.
Genome position (GRCh38, 1-based): chr19:19,269,727, G>A on the plus strand (C>T on the coding strand, the complement: TM6SF2 is on the minus strand). VCF-style: chr19-19269727-G-A. GRCh37 (hg19) VCF-style: chr19-19380536-G-A.
Identifiers: ClinVar variation 2649604 (VCV002649604.24), dbSNP rs200709395, ClinGen allele CA9324795.

ClinVar aggregate classification (germline): Likely benign (1 of 4 stars; one submission).

Allele frequency attached by ClinVar (database versions not stated): gnomAD exomes below 0.00001; ExAC 0.00001; gnomAD 0.00001; TOPMed 0.00003.
gnomAD v4.1: 8 of 1,614,046 alleles (0.0005%); highest among the groups gnomAD compares: South Asian, 0.0022%; no homozygotes.

Submission:

CeGaT Center for Human Genetics Tuebingen
Classification: Likely benign. Last evaluated: 2022-05-01. Review status: criteria provided, single submitter. Criteria: CeGaT Center For Human Genetics Tuebingen Variant Classification Criteria Version 2. Collection method: clinical testing. Allele origin: germline. Affected: yes. Observed: 1 variant allele.
Comment: TM6SF2: BP4, BP7